The following is an entry in ClinVar:

NM_024301.5(FKRP):c.885C>T (p.Arg295=)

Gene: FKRP (fukutin related protein; plus strand). Cytogenetic location: 19q13.32.
Variant type: single nucleotide variant.
Coding change: c.885C>T on transcript NM_024301.5 (MANE Select); coding-DNA position 885, C replaced by T.
Protein change: p.Arg295=; no amino-acid change (arginine 295 retained).
Molecular consequence: synonymous variant.
Genome position (GRCh38, 1-based): chr19:46,756,335, C>T. VCF-style: chr19-46756335-C-T. GRCh37 (hg19) VCF-style: chr19-47259592-C-T.
Other names: c.885C>T, p.Arg295= (NM_001039885.3).
Identifiers: ClinVar variation 289251 (VCV000289251.29), dbSNP rs769005880, ClinGen allele CA9532206.
Genomic context (GRCh38, chr19:46,756,335, plus strand): 5'-CCTAGTGAGCTGGGAAGGCGGGCGGCTGGAGTGGTTCGGCTGCAACAAGGAGACCACGCG[C>T]TGCTTCGGAACCGTGGTGGGCGACACGCCCGCCTACCTCTACGAGGAGCGCTGGACGCCC-3'
Protein context (NP_077277.1, residues 285-305): EWFGCNKETT[Arg295=]CFGTVVGDTP

ClinVar aggregate classification (germline): Conflicting classifications of pathogenicity. Review status: criteria provided, conflicting classifications (1 of 4 stars). 10 submissions from 10 submitters: Uncertain significance (1); Likely benign (6). 3 of the submissions do not count toward it. Last evaluated 2026-01-12.

Conditions:
Walker-Warburg congenital muscular dystrophy. Also called: Muscular dystrophy-dystroglycanopathy, type A; Walker-Warburg syndrome. Identifiers: Orphanet 899, MedGen C0265221, MONDO:0000171.
Cardiovascular phenotype. Identifiers: MedGen CN230736.
Autosomal recessive limb-girdle muscular dystrophy type 2I. Also called: MUSCULAR DYSTROPHY, LIMB-GIRDLE, TYPE 2I; MUSCULAR DYSTROPHY-DYSTROGLYCANOPATHY (LIMB-GIRDLE), TYPE C, 5; MUSCULAR DYSTROPHY-DYSTROGLYCANOPATHY, LIMB-GIRDLE, FRKP-RELATED. Identifiers: Orphanet 34515, MedGen C1846672, MONDO:0011787, OMIM 607155.

Allele frequency attached by ClinVar (database versions not stated): gnomAD exomes 0.00003 and 0.00004; ExAC 0.00014; gnomAD 0.00021 and 0.00022; TOPMed 0.00027.
gnomAD v4.1: 70 of 1,558,216 alleles (0.0045%); highest among the groups gnomAD compares: African/African-American, 0.073%; no homozygotes.

Submissions (10):

Labcorp Genetics (formerly Invitae), Labcorp
Classification: Likely benign for Walker-Warburg congenital muscular dystrophy. Last evaluated: 2026-01-12. Review status: criteria provided, single submitter. Criteria: Invitae Variant Classification Sherloc (09022015). Collection method: clinical testing. Allele origin: germline.

CeGaT Center for Human Genetics Tuebingen
Classification: Likely benign. Last evaluated: 2026-01-01. Review status: criteria provided, single submitter. Criteria: CeGaT Center For Human Genetics Tuebingen Variant Classification Criteria Version 2. Collection method: clinical testing. Allele origin: germline. Affected: yes. Observed: 1 variant allele.
Comment: FKRP: BP4, BP7

Women's Health and Genetics/Laboratory Corporation of America, LabCorp
Classification: Likely benign. Last evaluated: 2024-11-15. Review status: criteria provided, single submitter. Criteria: LabCorp Variant Classification Summary - May 2015. Collection method: clinical testing. Allele origin: germline.

Blueprint Genetics
Classification: Likely benign. Last evaluated: 2022-12-12. Review status: criteria provided, single submitter. Criteria: ACMG Guidelines, 2015. Collection method: clinical testing. Allele origin: germline.

GeneDx
Classification: Likely benign. Last evaluated: 2020-06-03. Review status: criteria provided, single submitter. Criteria: GeneDx Variant Classification Process June 2021. Collection method: clinical testing. Allele origin: germline. Affected: yes.

Ambry Genetics
Classification: Likely benign for Cardiovascular phenotype. Last evaluated: 2019-05-28. Review status: criteria provided, single submitter. Criteria: Ambry Variant Classification Scheme 2023. Collection method: clinical testing. Allele origin: germline.

Eurofins Ntd Llc (ga)
Classification: Uncertain significance. Last evaluated: 2016-07-01. Review status: criteria provided, single submitter. Criteria: EGL Classification Definitions 2015. Collection method: clinical testing. Allele origin: germline. Observed: 1 variant allele, 1 heterozygote.

Natera, Inc.
Classification: Likely benign for Limb-girdle muscular dystrophy type 2I. Last evaluated: 2019-12-24. Review status: no assertion criteria provided. Collection method: clinical testing. Allele origin: germline. Not counted in ClinVar's aggregate classification.

Clinical Genetics DNA and cytogenetics Diagnostics Lab, Erasmus MC, Erasmus Medical Center
Classification: Likely benign. Review status: no assertion criteria provided. Collection method: clinical testing. Allele origin: germline. Affected: yes. Study: VKGL Data-share Consensus. Not counted in ClinVar's aggregate classification.

Clinical Genetics, Academic Medical Center
Classification: Benign. Review status: no assertion criteria provided. Collection method: clinical testing. Allele origin: germline. Affected: yes. Study: VKGL Data-share Consensus. Not counted in ClinVar's aggregate classification.